The following is an entry in ClinVar:

NM_001199397.3(NEK1):c.1294A>G (p.Ile432Val)

Gene: NEK1 (NIMA related kinase 1; minus strand). Cytogenetic location: 4q33.
Variant type: single nucleotide variant.
Coding change: c.1294A>G on transcript NM_001199397.3 (MANE Select); coding-DNA position 1294, A replaced by G.
Protein change: p.Ile432Val; replaces isoleucine 432 with valine.
Molecular consequence: missense variant. On other transcripts: non-coding transcript variant (1).
Genome position (GRCh38, 1-based): chr4:169,556,068, T>C on the plus strand (A>G on the coding strand, the complement: NEK1 is on the minus strand). VCF-style: chr4-169556068-T-C. GRCh37 (hg19) VCF-style: chr4-170477219-T-C.
Other names: c.1294A>G, p.Ile432Val (NM_001199398.3, NM_001199400.3, NM_001374418.1 and 2 more transcripts); c.1219A>G, p.Ile407Val (NM_001199399.3); c.1243A>G, p.Ile415Val (NM_001374420.1); c.1168A>G, p.Ile390Val (NM_001374421.1); short protein forms I415V, I390V, I407V, I432V.
Identifiers: ClinVar variation 2733175 (VCV002733175.3), dbSNP rs2546764976, ClinGen allele CA358734143.

ClinVar aggregate classification (germline): Uncertain significance (1 of 4 stars; one submission).

Conditions:
Short-rib thoracic dysplasia 6 with or without polydactyly (SRTD6). Also called: Majewski Syndrome; SHORT RIB-POLYDACTYLY SYNDROME, TYPE IIA; POLYDACTYLY WITH NEONATAL CHONDRODYSTROPHY, TYPE II; SHORT-RIB THORACIC DYSPLASIA 6 WITH POLYDACTYLY; SHORT-RIB THORACIC DYSPLASIA 6 WITHOUT POLYDACTYLY. Identifiers: MedGen C0024507, MONDO:0009894, OMIM 263520.

Submission:

Labcorp Genetics (formerly Invitae), Labcorp
Classification: Uncertain significance for Short-rib thoracic dysplasia 6 with or without polydactyly. Last evaluated: 2023-08-30. Review status: criteria provided, single submitter. Criteria: Invitae Variant Classification Sherloc (09022015). Collection method: clinical testing. Allele origin: germline.
Comment: In summary, the available evidence is currently insufficient to determine the role of this variant in disease. Therefore, it has been classified as a Variant of Uncertain Significance. Advanced modeling of protein sequence and biophysical properties (such as structural, functional, and spatial information, amino acid conservation, physicochemical variation, residue mobility, and thermodynamic stability) performed at Invitae indicates that this missense variant is not expected to disrupt NEK1 protein function. This variant has not been reported in the literature in individuals affected with NEK1-related conditions. This variant is not present in population databases (gnomAD no frequency). This sequence change replaces isoleucine, which is neutral and non-polar, with valine, which is neutral and non-polar, at codon 432 of the NEK1 protein (p.Ile432Val).